The following is an entry in ClinVar:

NM_174878.3(CLRN1):c.292del (p.His98fs)

Gene: CLRN1 (clarin 1; minus strand). Cytogenetic location: 3q25.1.
Variant type: Deletion.
Coding change: c.292del on transcript NM_174878.3 (MANE Select); coding-DNA position 292, one base deleted (C; older notation c.292delC).
Protein change: p.His98fs; shifts the reading frame from histidine 98.
Molecular consequence: frameshift variant. On other transcripts: non-coding transcript variant (1).
Genome position (GRCh38, 1-based): chr3:150,941,723, G deleted on the plus strand (C on the coding strand, the reverse complement: CLRN1 is on the minus strand); the first of 2 consecutive G bases (chr3:150,941,723-150,941,724); deleting either gives the same sequence. VCF-style (leftmost placement, unchanged base first): chr3-150941722-TG-T. GRCh37 (hg19) VCF-style: chr3-150659509-TG-T.
Other names: c.292del, p.His98fs (NM_001195794.1); c.464del, p.Pro155fs (NM_001256819.2); c.64del, p.His22fs (NM_052995.2); short protein forms H22fs, H98fs, P155fs.
Identifiers: ClinVar variation 1073695 (VCV001073695.7), dbSNP rs2107951359, ClinGen allele CA2499216560.

ClinVar aggregate classification (germline): Pathogenic (1 of 4 stars; one submission).

Submission:

Labcorp Genetics (formerly Invitae), Labcorp
Classification: Pathogenic. Last evaluated: 2023-06-07. Review status: criteria provided, single submitter. Criteria: Invitae Variant Classification Sherloc (09022015). Collection method: clinical testing. Allele origin: germline.
Comment: This sequence change creates a premature translational stop signal (p.His98Thrfs*14) in the CLRN1 gene. It is expected to result in an absent or disrupted protein product. Loss-of-function variants in CLRN1 are known to be pathogenic (PMID: 11524702, 24498627). This variant is not present in population databases (gnomAD no frequency). This variant has not been reported in the literature in individuals affected with CLRN1-related conditions. ClinVar contains an entry for this variant (Variation ID: 1073695). For these reasons, this variant has been classified as Pathogenic.

Literature cited by the submitters: PubMed 11524702; PubMed 24498627.